The following is an entry in ClinVar:

NM_005629.4(SLC6A8):c.1885G>A (p.Val629Ile)

Gene: SLC6A8 (solute carrier family 6 member 8; plus strand). Cytogenetic location: Xq28.
Variant type: single nucleotide variant.
Coding change: c.1885G>A on transcript NM_005629.4 (MANE Select); coding-DNA position 1885, G replaced by A.
Protein change: p.Val629Ile; replaces valine 629 with isoleucine.
Molecular consequence: missense variant.
Genome position (GRCh38, 1-based): chrX:153,695,191, G>A. VCF-style: chrX-153695191-G-A. GRCh37 (hg19) VCF-style: chrX-152960646-G-A.
Other names: c.1855G>A, p.Val619Ile (NM_001142805.2); c.1540G>A, p.Val514Ile (NM_001142806.1); short protein forms V514I, V619I, V629I.
Identifiers: ClinVar variation 1678747 (VCV001678747.5), dbSNP rs781899045, ClinGen allele CA10549678.

ClinVar aggregate classification (germline): Conflicting classifications of pathogenicity. Review status: criteria provided, conflicting classifications (1 of 4 stars). 3 submissions from 3 submitters: Uncertain significance (1); Likely benign (2). Last evaluated 2025-08-14.

Conditions:
Creatine transporter deficiency (CCDS1). Also called: Creatine Transporter (CRTR) Deficiency; Mental retardation , X-linked with seizures, short stature and midface hypoplasia; Mental retardation , X-linked, with creatine transport deficiency; X-linked creatine transporter deficiency; X-linked creatine deficiency syndrome; SLC6A8-Related Creatine Transporter Deficiency. Identifiers: Orphanet 52503, MedGen C1845862, MONDO:0010305, OMIM 300352.

Allele frequency attached by ClinVar (database versions not stated): gnomAD 0.00001 and 0.00004; gnomAD exomes 0.00001 and 0.00002.

Submissions (3):

Labcorp Genetics (formerly Invitae), Labcorp
Classification: Uncertain significance for Creatine transporter deficiency. Last evaluated: 2025-08-14. Review status: criteria provided, single submitter. Criteria: Invitae Variant Classification Sherloc (09022015). Collection method: clinical testing. Allele origin: germline.
Comment: This sequence change replaces valine, which is neutral and non-polar, with isoleucine, which is neutral and non-polar, at codon 629 of the SLC6A8 protein (p.Val629Ile). The frequency data for this variant in the population databases is considered unreliable, as metrics indicate poor data quality at this position in the gnomAD database. This missense change has been observed in individual(s) with clinical features of SLC6A8-related conditions (PMID: 15154114). ClinVar contains an entry for this variant (Variation ID: 1678747). Invitae Evidence Modeling of protein sequence and biophysical properties (such as structural, functional, and spatial information, amino acid conservation, physicochemical variation, residue mobility, and thermodynamic stability) indicates that this missense variant is not expected to disrupt SLC6A8 protein function with a negative predictive value of 95%. Experimental studies have shown that this missense change does not substantially affect SLC6A8 function (PMID: 17465020). In summary, the available evidence is currently insufficient to determine the role of this variant in disease. Therefore, it has been classified as a Variant of Uncertain Significance.

Women's Health and Genetics/Laboratory Corporation of America, LabCorp
Classification: Likely benign. Last evaluated: 2023-08-02. Review status: criteria provided, single submitter. Criteria: LabCorp Variant Classification Summary - May 2015. Collection method: clinical testing. Allele origin: germline.
Comment: Variant summary: SLC6A8 c.1885G>A (p.Val629Ile) results in a conservative amino acid change in the encoded protein sequence. Five of five in-silico tools predict a benign effect of the variant on protein function. The variant allele was found at a frequency of 1.4e-05 in 144434 control chromosomes, including one hemizygous male (gnomAD). This suggests the variant may be a benign polymorphism. c.1885G>A has been reported in the literature in related individuals affected with X-Linked mental retardation who did not show elevated urinary creatine:cretinine ratios (Rosenberg_2004). This report does not provide unequivocal conclusions about association of the variant with Creatine Deficiency, X-Linked. At least one publication reports experimental evidence evaluating an impact on protein function, finding no effect of this variant on restoring creatine uptake in SLC6A8-deficient fibroblasts (Rosenberg_2007). The following publications have been ascertained in the context of this evaluation (PMID: 15154114, 17465020). One submitter has cited a clinical-significance assessment for this variant to ClinVar after 2014 and has classified the variant as likely benign. Based on the evidence outlined above, the variant was classified as likely benign.

GeneDx
Classification: Likely benign. Last evaluated: 2019-08-06. Review status: criteria provided, single submitter. Criteria: GeneDx Variant Classification Process June 2021. Collection method: clinical testing. Allele origin: germline. Affected: yes.
Comment: See Variant Classification Assertion Criteria.

Literature cited by the submitters: PubMed 15154114 (cited by Labcorp Genetics (formerly Invitae), Labcorp and Women's Health and Genetics/Laboratory Corporation of America, LabCorp); PubMed 17465020 (cited by Labcorp Genetics (formerly Invitae), Labcorp and Women's Health and Genetics/Laboratory Corporation of America, LabCorp).